The following continues an entry in ClinVar:

NM_000277.3(PAH):c.194T>C (p.Ile65Thr)

Gene: PAH. ClinVar aggregate classification (germline): Pathogenic. Pathogenic (1).

Submissions 25 to 31 of 31:

Division of Human Genetics, Children's Hospital of Philadelphia
Classification: Pathogenic for Phenylketonuria. Last evaluated: 2016-07-19. Review status: no assertion criteria provided. Collection method: research. Allele origin: paternal. Study: CSER-PediSeq. Not counted in ClinVar's aggregate classification.

OMIM
Classification: Pathogenic for PHENYLKETONURIA. Last evaluated: 1992-01-01. Review status: no assertion criteria provided. Collection method: literature only. Allele origin: germline. Not counted in ClinVar's aggregate classification.

DeBelle Laboratory for Biochemical Genetics, MUHC/MCH RESEARCH INSTITUTE
No classification provided. Review status: no classification provided. Collection method: not provided. Allele origin: not provided. Not counted in ClinVar's aggregate classification.

Diagnostic Laboratory, Department of Genetics, University Medical Center Groningen
Classification: Pathogenic. Review status: no assertion criteria provided. Collection method: clinical testing. Allele origin: germline. Affected: yes. Study: VKGL Data-share Consensus. Not counted in ClinVar's aggregate classification.

GeneReviews
No classification provided. Condition: Phenylketonuria. Review status: no classification provided. Collection method: literature only. Allele origin: germline. Affected: yes. Not counted in ClinVar's aggregate classification.

Genome Diagnostics Laboratory, University Medical Center Utrecht
Classification: Pathogenic. Review status: no assertion criteria provided. Collection method: clinical testing. Allele origin: germline. Affected: yes. Study: VKGL Data-share Consensus. Not counted in ClinVar's aggregate classification.

Joint Genome Diagnostic Labs from Nijmegen and Maastricht, Radboudumc and MUMC+
Classification: Likely pathogenic. Review status: no assertion criteria provided. Collection method: clinical testing. Allele origin: germline. Affected: yes. Study: VKGL Data-share Consensus. Not counted in ClinVar's aggregate classification.

Literature cited by the submitters: PubMed 1301201 (cited by 8 submitters); PubMed 10767174 (cited by 7 submitters); PubMed 12501224 (cited by 7 submitters); PubMed 12655546 (cited by 3 submitters); PubMed 23500595 (cited by 4 submitters); PubMed 25596310 (cited by Labcorp Genetics (formerly Invitae), Labcorp and Mayo Clinic Laboratories, Mayo Clinic); PubMed 17935162 (cited by 3 submitters); PubMed 26803807 (cited by 3 submitters); PubMed 33465300 (cited by Victorian Clinical Genetics Services, Murdoch Childrens Research Institute and Quest Diagnostics Nichols Institute San Juan Capistrano); PubMed 20082265 (cited by Natera, Inc.); PubMed 23430918 (cited by Natera, Inc.); PubMed 1301187 (cited by 3 submitters); PubMed 15464430 (cited by Ambry Genetics); PubMed 24368688 (cited by Mayo Clinic Laboratories, Mayo Clinic); PubMed 10720436 (cited by Quest Diagnostics Nichols Institute San Juan Capistrano); PubMed 15557004 (cited by Quest Diagnostics Nichols Institute San Juan Capistrano and Myriad Genetics, Inc.); PubMed 18538294 (cited by Quest Diagnostics Nichols Institute San Juan Capistrano); PubMed 15459954 (cited by Quest Diagnostics Nichols Institute San Juan Capistrano); PubMed 11524738 (cited by Myriad Genetics, Inc.); PubMed 11326337 (cited by Myriad Genetics, Inc.); PubMed 8533759 (cited by Myriad Genetics, Inc.); PubMed 9781015 (cited by Myriad Genetics, Inc.); PubMed 23514811 (cited by Eurofins Ntd Llc (ga)); PubMed 26666653 (cited by Women's Health and Genetics/Laboratory Corporation of America, LabCorp); PubMed 20301677 (cited by UNC Molecular Genetics  Laboratory, University of North Carolina at Chapel Hill); PubMed 9254847 (cited by UNC Molecular Genetics  Laboratory, University of North Carolina at Chapel Hill); NCBI Bookshelf NBK1504 (cited by GeneReviews).